The following is an entry in ClinVar:

NM_001048174.2(MUTYH):c.1324C>A (p.Pro442Thr)

Gene: MUTYH (mutY DNA glycosylase; minus strand). Cytogenetic location: 1p34.1.
Variant type: single nucleotide variant.
Coding change: c.1324C>A on transcript NM_001048174.2 (MANE Select); coding-DNA position 1324, C replaced by A.
Protein change: p.Pro442Thr; replaces proline 442 with threonine.
Molecular consequence: missense variant. On other transcripts: non-coding transcript variant (7).
Genome position (GRCh38, 1-based): chr1:45,331,250, G>T on the plus strand (C>A on the coding strand, the complement: MUTYH is on the minus strand). VCF-style: chr1-45331250-G-T. GRCh37 (hg19) VCF-style: chr1-45796922-G-T.
Other names: c.1324C>A, p.Pro442Thr (NM_001048171.2, NM_001048173.2, NM_001293195.2 and 6 more transcripts); c.1327C>A, p.Pro443Thr (NM_001048172.2, NM_001407086.1, NM_001407071.1 and 1 more transcripts); c.1408C>A, p.Pro470Thr (NM_001128425.2); c.1369C>A, p.Pro457Thr (NM_001293190.2); c.1357C>A, p.Pro453Thr (NM_001293191.2, NM_001407069.1, NM_001407077.1); c.1048C>A, p.Pro350Thr (NM_001293192.2, NM_001293196.2, NM_001407091.1); c.979C>A, p.Pro327Thr (NM_001350650.2, NM_001350651.2, NM_001407082.1); c.1366C>A, p.Pro456Thr (NM_001407083.1, NM_001407085.1); and 5 more; short protein forms P449T, P453T, P414T, P442T, P457T, P470T, P327T, P350T.
Identifiers: ClinVar variation 4113224 (VCV004113224.1).
Genomic context (GRCh38, chr1:45,331,250, plus strand): 5'-TGGCGGTGGAAACAGCTGCGGTGTGAAATTCCTCCTGCGTCAGCCAGCGAGCACCTGGTG[G>T]TACGGTGGTCACTGGGGTCTGCCCTTCCAAGGCCAGCCCATATACTTGATATGTCAGCTT-3'
Protein context (NP_001041639.1, residues 432-452): LEGQTPVTTV[Pro442Thr]PGARWLTQEE

ClinVar aggregate classification (germline): Uncertain significance (1 of 4 stars; one submission).

Conditions:
Hereditary cancer-predisposing syndrome. Also called: Tumor predisposition; Neoplastic Syndromes, Hereditary; Hereditary neoplastic syndrome; Hereditary Cancer Syndrome. Identifiers: Orphanet 140162, MedGen C0027672, MeSH D009386, MONDO:0015356.

gnomAD v4.1: 1 of 1,614,220 alleles (0.000062%); highest among the groups gnomAD compares: South Asian, 0.0011%; no homozygotes.

Submission:

Ambry Genetics
Classification: Uncertain significance for Hereditary cancer-predisposing syndrome. Last evaluated: 2025-08-27. Review status: criteria provided, single submitter. Criteria: Ambry Variant Classification Scheme 2023. Collection method: clinical testing. Allele origin: germline.
Comment: The p.P470T variant (also known as c.1408C>A), located in coding exon 14 of the MUTYH gene, results from a C to A substitution at nucleotide position 1408. The proline at codon 470 is replaced by threonine, an amino acid with highly similar properties. This amino acid position is conserved. In addition, the in silico prediction for this alteration is inconclusive. Based on the available evidence, the clinical significance of this variant remains unclear.